The following is an entry in ClinVar:

ClinVar aggregate classification (germline): Benign. Review status: criteria provided, multiple submitters, no conflicts (2 of 4 stars). 10 submissions from 9 submitters: Benign (8). 2 of the submissions do not count toward it. Last evaluated 2026-02-03.

Conditions:
Bietti crystalline corneoretinal dystrophy (BCD). Also called: Bietti Crystalline Dystrophy; BIETTI TAPETORETINAL DEGENERATION WITH MARGINAL CORNEAL DYSTROPHY. Identifiers: Orphanet 41751, MedGen C1859486, MONDO:0008865, OMIM 210370.
Retinal dystrophy. Also called: Inherited retinal dystrophy. Identifiers: Orphanet 71862, MedGen C0854723, MeSH D058499, MONDO:0019118, HP:0000556.
Corneal dystrophy. Identifiers: Orphanet 34533, MedGen C0010036, MONDO:0018102, HP:0001131.

Allele frequency attached by ClinVar (database versions not stated): 1000 Genomes Project 30x 0.16099; 1000 Genomes Project 0.16274; ESP Exome Variant Server 0.05697; gnomAD 0.07854 and 0.08521; TOPMed 0.09256; ExAC 0.11623; gnomAD exomes 0.12321.

Submissions (10):

Labcorp Genetics (formerly Invitae), Labcorp
Classification: Benign. Last evaluated: 2026-02-03. Review status: criteria provided, single submitter. Criteria: Invitae Variant Classification Sherloc (09022015). Collection method: clinical testing. Allele origin: germline.

Blueprint Genetics
Classification: Benign. Last evaluated: 2024-11-26. Review status: criteria provided, single submitter. Criteria: ACMG Guidelines, 2015. Collection method: clinical testing. Allele origin: germline.

Dept Of Ophthalmology, Nagoya University
Classification: Benign for Retinal dystrophy. Last evaluated: 2023-10-01. Review status: criteria provided, single submitter. Criteria: Submitter's publication. Collection method: research. Allele origin: germline. Affected: yes.

GeneDx
Classification: Benign. Last evaluated: 2021-05-04. Review status: criteria provided, single submitter. Criteria: GeneDx Variant Classification Process June 2021. Collection method: clinical testing. Allele origin: germline. Affected: yes.

Illumina Laboratory Services, Illumina
Classification: Benign for Bietti crystalline corneoretinal dystrophy. Last evaluated: 2018-01-13. Review status: criteria provided, single submitter. Criteria: ICSL Variant Classification Criteria 13 December 2019. Collection method: clinical testing. Allele origin: germline.
Comment: This variant was observed in the ICSL laboratory as part of a predisposition screen in an ostensibly healthy population. It had not been previously curated by ICSL or reported in the Human Gene Mutation Database (HGMD: prior to June 1st, 2018), and was therefore a candidate for classification through an automated scoring system. Utilizing variant allele frequency, disease prevalence and penetrance estimates, and inheritance mode, an automated score was calculated to assess if this variant is too frequent to cause the disease. Based on the score and internal cut-off values, a variant classified as benign is not then subjected to further curation. The score for this variant resulted in a classification of benign for this disease.

Illumina Laboratory Services, Illumina
Classification: Benign for Corneal dystrophy. Last evaluated: 2018-01-13. Review status: criteria provided, single submitter. Criteria: ICSL Variant Classification Criteria 13 December 2019. Collection method: clinical testing. Allele origin: germline.
Comment: the same text as in the submission from Illumina Laboratory Services, Illumina above.

Eurofins Ntd Llc (ga)
Classification: Benign. Last evaluated: 2014-04-28. Review status: criteria provided, single submitter. Criteria: EGL Classification Definitions 2015. Collection method: clinical testing. Allele origin: germline. Observed: 1 variant allele, 1 heterozygote.

Breakthrough Genomics
Classification: Benign. Review status: criteria provided, single submitter. Criteria: ACMG Guidelines, 2015. Collection method: not provided. Allele origin: germline. Inheritance: Autosomal recessive inheritance. Affected: yes.

Diagnostic Laboratory, Department of Genetics, University Medical Center Groningen
Classification: Benign. Review status: no assertion criteria provided. Collection method: clinical testing. Allele origin: germline. Affected: yes. Study: VKGL Data-share Consensus. Not counted in ClinVar's aggregate classification.

Joint Genome Diagnostic Labs from Nijmegen and Maastricht, Radboudumc and MUMC+
Classification: Benign. Review status: no assertion criteria provided. Collection method: clinical testing. Allele origin: germline. Affected: yes. Study: VKGL Data-share Consensus. Not counted in ClinVar's aggregate classification.

NM_207352.4(CYP4V2):c.846T>C (p.Cys282=)

Gene: CYP4V2 (cytochrome P450 family 4 subfamily V member 2; plus strand). Cytogenetic location: 4q35.2.
Variant type: single nucleotide variant.
Coding change: c.846T>C on transcript NM_207352.4 (MANE Select); coding-DNA position 846, T replaced by C.
Protein change: p.Cys282=; no amino-acid change (cysteine 282 retained).
Molecular consequence: synonymous variant.
Genome position (GRCh38, 1-based): chr4:186,201,201, T>C. VCF-style: chr4-186201201-T-C. GRCh37 (hg19) VCF-style: chr4-187122355-T-C.
Identifiers: ClinVar variation 166977 (VCV000166977.26), dbSNP rs3736456, ClinGen allele CA179960.
Genomic context (GRCh38, chr4:186,201,201, plus strand): 5'-CATTCAAATCATACAGGTCATCGCTGAACGGGCCAATGAAATGAACGCCAATGAAGACTG[T>C]AGAGGTGATGGCAGGGGCTCTGCCCCCTCCAAAAATAAACGCAGGGCCTTTCTTGACTTG-3'
Protein context (NP_997235.3, residues 272-292): RANEMNANED[Cys282=]RGDGRGSAPS